The following is an entry in ClinVar:

NM_020442.6(VARS2):c.766G>T (p.Ala256Ser)

Gene: VARS2 (valyl-tRNA synthetase 2, mitochondrial; plus strand). Cytogenetic location: 6p21.33.
Variant type: single nucleotide variant.
Coding change: c.766G>T on transcript NM_020442.6 (MANE Select); coding-DNA position 766, G replaced by T.
Protein change: p.Ala256Ser; replaces alanine 256 with serine.
Molecular consequence: missense variant.
Genome position (GRCh38, 1-based): chr6:30,917,117, G>T. VCF-style: chr6-30917117-G-T. GRCh37 (hg19) VCF-style: chr6-30884894-G-T.
Other names: c.346G>T, p.Ala116Ser (NM_001167733.3); c.856G>T, p.Ala286Ser (NM_001167734.2); short protein forms A116S, A256S, A286S.
Identifiers: ClinVar variation 2135625 (VCV002135625.4), dbSNP rs1184757001, ClinGen allele CA363169444.

ClinVar aggregate classification (germline): Uncertain significance (1 of 4 stars; one submission).

Submission:

Labcorp Genetics (formerly Invitae), Labcorp
Classification: Uncertain significance. Last evaluated: 2024-12-09. Review status: criteria provided, single submitter. Criteria: Invitae Variant Classification Sherloc (09022015). Collection method: clinical testing. Allele origin: germline.
Comment: This sequence change replaces alanine, which is neutral and non-polar, with serine, which is neutral and polar, at codon 286 of the VARS2 protein (p.Ala286Ser). This variant is not present in population databases (gnomAD no frequency). This variant has not been reported in the literature in individuals affected with VARS2-related conditions. ClinVar contains an entry for this variant (Variation ID: 2135625). Invitae Evidence Modeling of protein sequence and biophysical properties (such as structural, functional, and spatial information, amino acid conservation, physicochemical variation, residue mobility, and thermodynamic stability) indicates that this missense variant is not expected to disrupt VARS2 protein function with a negative predictive value of 80%. In summary, the available evidence is currently insufficient to determine the role of this variant in disease. Therefore, it has been classified as a Variant of Uncertain Significance.